The following is an entry in ClinVar:

ClinVar aggregate classification (germline): Likely benign. Review status: criteria provided, multiple submitters, no conflicts (2 of 4 stars). 2 submissions from 2 submitters: Likely benign (2). Last evaluated 2026-05-23.

Conditions:
CNNM4-related disorder. Also called: CNNM4-related condition.

Allele frequency attached by ClinVar (database versions not stated): TOPMed below 0.00001; gnomAD exomes 0.00001; ExAC 0.00002.
gnomAD v4.1: 14 of 1,614,086 alleles (0.00087%); highest among the groups gnomAD compares: East Asian, 0.011%; no homozygotes.

Submissions (2):

PreventionGenetics, part of Exact Sciences
Classification: Likely benign for CNNM4-related condition. Last evaluated: 2026-05-23. Review status: criteria provided, single submitter. Criteria: ACMG Guidelines, 2015. Collection method: clinical testing. Allele origin: germline.
Comment: This variant is classified as likely benign based on ACMG/AMP sequence variant interpretation guidelines (Richards et al. 2015 PMID: 25741868, with internal and published modifications).

Labcorp Genetics (formerly Invitae), Labcorp
Classification: Likely benign. Last evaluated: 2024-10-25. Review status: criteria provided, single submitter. Criteria: Invitae Variant Classification Sherloc (09022015). Collection method: clinical testing. Allele origin: germline.

NM_020184.4(CNNM4):c.1546+10G>A

Gene: CNNM4 (cyclin and CBS domain divalent metal cation transport mediator 4; plus strand). Cytogenetic location: 2q11.2.
Variant type: single nucleotide variant.
Coding change: c.1546+10G>A on transcript NM_020184.4 (MANE Select); 10 bases into the intron after coding-DNA position 1546, G replaced by A.
Molecular consequence: intron variant.
Genome position (GRCh38, 1-based): chr2:96,797,165, G>A. VCF-style: chr2-96797165-G-A. GRCh37 (hg19) VCF-style: chr2-97462902-G-A.
Other names: c.1546+10G>A (NM_020184.3).
Identifiers: ClinVar variation 1089992 (VCV001089992.10), dbSNP rs752968846, ClinGen allele CA1783381.
Genomic context (GRCh38, chr2:96,797,165, plus strand): 5'-TGATCGAGGAGATCATCAAGTCGGAGATCCTGGACGAGTCCGACATGTACAGTGAGTCCA[G>A]CCTTCCACAGGGCCCAGGACCCCTTTCCTGCTTGGATCGAAACTTGGTGTCCCTAGCTGG-3'